The following is an entry in ClinVar:

NM_004972.4(JAK2):c.3062A>G (p.Tyr1021Cys)

Genes: INSL6 (insulin like 6; minus strand), JAK2 (Janus kinase 2; plus strand). Cytogenetic location: 9p24.1.
Variant type: single nucleotide variant.
Coding change: c.3062A>G on transcript NM_004972.4 (MANE Select); coding-DNA position 3062, A replaced by G.
Protein change: p.Tyr1021Cys; replaces tyrosine 1021 with cysteine.
Molecular consequence: missense variant. On other transcripts: non-coding transcript variant (2).
Genome position (GRCh38, 1-based): chr9:5,123,006, A>G. VCF-style: chr9-5123006-A-G. GRCh37 (hg19) VCF-style: chr9-5123006-A-G.
Other names: c.3062A>G, p.Tyr1021Cys (NM_001322194.2, NM_001322195.2, NM_001322196.2); c.1847A>G, p.Tyr616Cys (NM_001322198.2, NM_001322199.2); c.2615A>G, p.Tyr872Cys (NM_001322204.2); short protein forms Y872C, Y1021C, Y616C.
Identifiers: ClinVar variation 3666895 (VCV003666895.2).

ClinVar aggregate classification (germline): Uncertain significance (1 of 4 stars; one submission).

gnomAD v4.1: 2 of 1,601,070 alleles (0.00012%); highest among the groups gnomAD compares: Admixed American, 0.0017%; no homozygotes.

Submission:

Labcorp Genetics (formerly Invitae), Labcorp
Classification: Uncertain significance. Last evaluated: 2024-09-08. Review status: criteria provided, single submitter. Criteria: Invitae Variant Classification Sherloc (09022015). Collection method: clinical testing. Allele origin: germline.
Comment: This sequence change replaces tyrosine, which is neutral and polar, with cysteine, which is neutral and slightly polar, at codon 1021 of the JAK2 protein (p.Tyr1021Cys). This variant is not present in population databases (gnomAD no frequency). This variant has not been reported in the literature in individuals affected with JAK2-related conditions. An algorithm developed to predict the effect of missense changes on protein structure and function (PolyPhen-2) suggests that this variant is likely to be disruptive. In summary, the available evidence is currently insufficient to determine the role of this variant in disease. Therefore, it has been classified as a Variant of Uncertain Significance.